The following is an entry in ClinVar:

ClinVar aggregate classification (germline): Pathogenic (1 of 4 stars; one submission).

Submission:

Labcorp Genetics (formerly Invitae), Labcorp
Classification: Pathogenic. Last evaluated: 2023-07-14. Review status: criteria provided, single submitter. Criteria: Invitae Variant Classification Sherloc (09022015). Collection method: clinical testing. Allele origin: germline.
Comment: This variant disrupts a region of the PHEX protein in which other variant(s) (p.Trp749Arg) have been determined to be pathogenic (PMID: 9768674, 29858904; Invitae). This suggests that this is a clinically significant region of the protein, and that variants that disrupt it are likely to be disease-causing. This sequence change creates a premature translational stop signal (p.Tyr696Thrfs*44) in the PHEX gene. While this is not anticipated to result in nonsense mediated decay, it is expected to disrupt the last 20 amino acid(s) of the PHEX protein. This variant is not present in population databases (gnomAD no frequency). This premature translational stop signal has been observed in individual(s) with hypophosphatemia (Invitae). ClinVar contains an entry for this variant (Variation ID: 851836). For these reasons, this variant has been classified as Pathogenic.

Literature cited by the submitters: PubMed 9768674; PubMed 29858904.

NM_000444.6(PHEX):c.2085del (p.Tyr696fs)

Genes: PHEX (phosphate regulating endopeptidase X-linked; plus strand), PTCHD1-AS (PTCHD1 and PHEX antisense RNA; minus strand). Cytogenetic location: Xp22.11.
Variant type: Deletion.
Coding change: c.2085del on transcript NM_000444.6 (MANE Select); coding-DNA position 2085, one base deleted (C; older notation c.2085delC).
Protein change: p.Tyr696fs; shifts the reading frame from tyrosine 696.
Molecular consequence: frameshift variant. On other transcripts: intron variant (1).
Genome position (GRCh38, 1-based): chrX:22,245,347, C deleted; the last of 2 consecutive C bases (chrX:22,245,346-22,245,347); deleting either gives the same sequence. VCF-style (leftmost placement, unchanged base first): chrX-22245345-TC-T. GRCh37 (hg19) VCF-style: chrX-22263462-TC-T.
Other names: c.2071-2504del (NM_001282754.2); short protein forms Y696fs.
Identifiers: ClinVar variation 851836 (VCV000851836.9), dbSNP rs1936360418, ClinGen allele CA916083864.
Genomic context (GRCh38, chrX:22,245,345, plus strand): 5'-ACATAATTGGAATGAAAGCTCATTTGTTGGGATGCTTTTCTCTTCTAGGTGAGGTGCAAT[TC>T]CTACAGACCAGAAGCTGCCCGAGAACAAGTCCAAATTGGTGCTCACAGTCCCCCTCAGTT-3'